The following is an entry in ClinVar:

NM_000202.8(IDS):c.82dup (p.Thr28fs)

Genes: IDS (iduronate 2-sulfatase; minus strand), LOC130068781 (ATAC-STARR-seq lymphoblastoid active region 30015; plus strand). Cytogenetic location: Xq28.
Variant type: Duplication.
Coding change: c.82dup on transcript NM_000202.8 (MANE Select); coding-DNA position 82, one base duplicated (A; older notation c.82dupA).
Protein change: p.Thr28fs; shifts the reading frame from threonine 28.
Molecular consequence: frameshift variant. On other transcripts: 5 prime UTR variant (1), non-coding transcript variant (1).
Genome position (GRCh38, 1-based): chrX:149,505,056, T duplicated on the plus strand (A on the coding strand, the reverse complement: IDS is on the minus strand); the first of 3 consecutive T bases (chrX:149,505,056-149,505,058); duplicating any one gives the same sequence. VCF-style (leftmost placement, unchanged base first): chrX-149505055-G-GT. GRCh37 (hg19) VCF-style: chrX-148586585-G-GT.
Other names: c.-145dup (NM_001166550.4); c.82dup, p.Thr28fs (NM_006123.5); short protein forms T28fs.
Identifiers: ClinVar variation 3255683 (VCV003255683.2).

ClinVar aggregate classification (germline): Pathogenic (1 of 4 stars; one submission).

Conditions:
Mucopolysaccharidosis, MPS-II (MPS2). Also called: Hunter Syndrome; IDURONATE 2-SULFATASE DEFICIENCY; Mucopolysaccharidosis Type II; Mucopolysaccharidosis type 2; Attenuated MPS (subtype; formerly known as mild MPS II); Severe MPS II. Identifiers: Orphanet 580, Orphanet 79388, MedGen C0026705, MONDO:0010674, OMIM 309900.

Submission:

Laboratory of Diagnosis and Therapy of Lysosomal Disorders, University of Padova
Classification: Pathogenic for Mucopolysaccharidosis, MPS-II. Last evaluated: 2024-06-07. Review status: criteria provided, single submitter. Criteria: ACMG Guidelines, 2015. Collection method: literature only. Allele origin: germline. Affected: yes. Observed: 1 variant allele.
Comment: Null variant (PVS1_VeryStrong), Absent from controls (or at low frequency) in gnomAD database (PM2_Moderate), Patient’s phenotype or family history highly specific for the disease (PP4_Strong)

Classification method: ACMG Guidelines [PMID:25741868] with modifications

Literature cited by the submitters: PubMed 8664909.